The following is an entry in ClinVar:

ClinVar aggregate classification (germline): Benign/Likely benign. Review status: criteria provided, multiple submitters, no conflicts (2 of 4 stars). 4 submissions from 4 submitters: Benign (1); Likely benign (3). Last evaluated 2026-01-11.

Conditions:
Multiple endocrine neoplasia, type 1 (MEN1). Also called: MEA I; MEN I; WERMER SYNDROME; Endocrine adenomatosis multiple; MEN 1. Identifiers: Orphanet 652, MedGen C0025267, MeSH D018761, MONDO:0007540, OMIM 131100.
Hereditary cancer-predisposing syndrome. Also called: Hereditary neoplastic syndrome; Neoplastic Syndromes, Hereditary; Tumor predisposition; Hereditary Cancer Syndrome. Identifiers: Orphanet 140162, MedGen C0027672, MeSH D009386, MONDO:0015356.

Allele frequency attached by ClinVar (database versions not stated): gnomAD exomes below 0.00001 and 0.00001; ExAC 0.00001; TOPMed 0.00001.
gnomAD v4.1: 6 of 1,593,152 alleles (0.00038%); highest among the groups gnomAD compares: East Asian, 0.009%; no homozygotes.

Submissions (4):

Labcorp Genetics (formerly Invitae), Labcorp
Classification: Likely benign for Multiple endocrine neoplasia, type 1. Last evaluated: 2026-01-11. Review status: criteria provided, single submitter. Criteria: Invitae Variant Classification Sherloc (09022015). Collection method: clinical testing. Allele origin: germline.

Myriad Genetics, Inc.
Classification: Benign for Multiple endocrine neoplasia, type 1. Last evaluated: 2024-11-05. Review status: criteria provided, single submitter. Criteria: Myriad Autosomal Dominant, Autosomal Recessive and X-Linked Classification Criteria (2023). Collection method: clinical testing. Allele origin: unknown.
Comment: This variant is considered benign. This variant is a silent/synonymous amino acid change and it is not expected to impact splicing.

All of Us Research Program, National Institutes of Health
Classification: Likely benign for Multiple endocrine neoplasia, type 1. Last evaluated: 2023-04-10. Review status: criteria provided, single submitter. Criteria: ACMG Guidelines, 2015. Collection method: clinical testing. Allele origin: germline. Inheritance: Autosomal dominant inheritance. Observed: 1 variant allele, 1 heterozygote.
Comment: This study involves interpretation of variants in research participants for the purpose of population health screening. Participant phenotype was not available at the time of variant classification. Additional details can be found in publication PMID: 35346344, PMCID: PMC8962531

Ambry Genetics
Classification: Likely benign for Hereditary cancer-predisposing syndrome. Last evaluated: 2016-09-08. Review status: criteria provided, single submitter. Criteria: Ambry Variant Classification Scheme 2023. Collection method: clinical testing. Allele origin: germline.

NM_001370259.2(MEN1):c.1482G>A (p.Pro494=)

Gene: MEN1 (menin 1; minus strand). Cytogenetic location: 11q13.1.
Variant type: single nucleotide variant.
Coding change: c.1482G>A on transcript NM_001370259.2 (MANE Select); coding-DNA position 1482, G replaced by A.
Protein change: p.Pro494=; no amino-acid change (proline 494 retained).
Molecular consequence: synonymous variant.
Genome position (GRCh38, 1-based): chr11:64,804,685, C>T on the plus strand (G>A on the coding strand, the complement: MEN1 is on the minus strand). VCF-style: chr11-64804685-C-T. GRCh37 (hg19) VCF-style: chr11-64572157-C-T.
Other names: c.1497G>A, p.Pro499= (NM_000244.4, NM_130800.3, NM_130801.3 and 3 more transcripts); c.1608G>A, p.Pro536= (NM_001370251.2); c.1482G>A, p.Pro494= (NM_001370260.2, NM_001370261.2, NM_130799.3); c.1377G>A, p.Pro459= (NM_001370262.2, NM_001370263.2).
Identifiers: ClinVar variation 412559 (VCV000412559.18), dbSNP rs773363654, ClinGen allele CA060684.